The following is an entry in ClinVar:

NM_000091.5(COL4A3):c.4644C>A (p.Cys1548Ter)

Genes: MFF-DT (MFF divergent transcript; minus strand), COL4A3 (collagen type IV alpha 3 chain; plus strand). Cytogenetic location: 2q36.3.
Variant type: single nucleotide variant.
Coding change: c.4644C>A on transcript NM_000091.5 (MANE Select); coding-DNA position 4644, C replaced by A.
Protein change: p.Cys1548Ter; replaces cysteine 1548 with a stop codon.
Molecular consequence: nonsense.
Genome position (GRCh38, 1-based): chr2:227,309,207, C>A. VCF-style: chr2-227309207-C-A. GRCh37 (hg19) VCF-style: chr2-228173923-C-A.
Other names: short protein forms C1548*.
Identifiers: ClinVar variation 1356227 (VCV001356227.7), dbSNP rs1574842143, ClinGen allele CA350865466.

ClinVar aggregate classification (germline): Pathogenic/Likely pathogenic. Review status: criteria provided, multiple submitters, no conflicts (2 of 4 stars). 2 submissions from 2 submitters: Pathogenic (1); Likely pathogenic (1). Last evaluated 2024-06-18.

Conditions:
Autosomal dominant Alport syndrome (ATS3A). Also called: Alport syndrome dominant type; Renal failure and sensorineural hearing loss; ALPORT SYNDROME 3A, AUTOSOMAL DOMINANT. Identifiers: Orphanet 63, Orphanet 88918, MedGen C5882663, MONDO:0007086, OMIM 104200.
Alport syndrome 3b, autosomal recessive. Identifiers: MedGen C5882699, MONDO:0957811, OMIM 620536.
Hematuria, benign familial, 2 (BFH2). Identifiers: MedGen C5830421, MONDO:0958186, OMIM 620320.

Submissions (2):

Fulgent Genetics
Classification: Likely pathogenic for Autosomal dominant Alport syndrome; Hematuria, benign familial, 2; Alport syndrome 3b, autosomal recessive. Last evaluated: 2024-06-18. Review status: criteria provided, single submitter. Criteria: ACMG Guidelines, 2015. Collection method: clinical testing. Allele origin: germline.

Labcorp Genetics (formerly Invitae), Labcorp
Classification: Pathogenic. Last evaluated: 2022-06-23. Review status: criteria provided, single submitter. Criteria: Invitae Variant Classification Sherloc (09022015). Collection method: clinical testing. Allele origin: germline.
Comment: This variant is not present in population databases (gnomAD no frequency). This sequence change creates a premature translational stop signal (p.Cys1548*) in the COL4A3 gene. It is expected to result in an absent or disrupted protein product. Loss-of-function variants in COL4A3 are known to be pathogenic (PMID: 8956999, 24854265, 26809805, 27281700). This variant has not been reported in the literature in individuals affected with COL4A3-related conditions. For these reasons, this variant has been classified as Pathogenic.

Literature cited by the submitters: PubMed 8956999 (cited by Labcorp Genetics (formerly Invitae), Labcorp); PubMed 24854265 (cited by Labcorp Genetics (formerly Invitae), Labcorp); PubMed 26809805 (cited by Labcorp Genetics (formerly Invitae), Labcorp); PubMed 27281700 (cited by Labcorp Genetics (formerly Invitae), Labcorp).